The following is an entry in ClinVar:

ClinVar aggregate classification (germline): Likely benign (0 of 4 stars; one submission).

Conditions:
MDN1-related disorder. Also called: MDN1-related condition.

Submission:

PreventionGenetics, part of Exact Sciences
Classification: Likely benign for MDN1-related condition. Last evaluated: 2021-01-27. Review status: no assertion criteria provided. Collection method: clinical testing. Allele origin: germline.
Comment: This variant is classified as likely benign based on ACMG/AMP sequence variant interpretation guidelines (Richards et al. 2015 PMID: 25741868, with internal and published modifications).

NM_014611.3(MDN1):c.14352GGA[1] (p.Glu4786del)

Genes: MDN1 (midasin AAA ATPase 1; minus strand), MDN1-AS1 (MDN1 antisense RNA 1; plus strand). Cytogenetic location: 6q15.
Variant type: Microsatellite.
Coding change: c.14352GGA[1] on transcript NM_014611.3 (MANE Select); one copy of the 3-base unit GGA starting at c.14352; the reference has two copies in a row; one copy, 3 bases deleted.
Protein change: p.Glu4786del; deletes glutamic acid 4786.
Genome position (GRCh38, 1-based): chr6:89,662,847-89,662,849, TCC deleted on the plus strand (GGA on the coding strand, the reverse complement: MDN1 is on the minus strand); deleting any 3 consecutive bases within chr6:89,662,847-89,662,854 gives the same sequence; the position shown is the placement nearest the transcript's 3' end. VCF-style (leftmost placement, unchanged base first): chr6-89662846-TTCC-T. GRCh37 (hg19) VCF-style: chr6-90372565-TTCC-T.
Other names: short protein forms E4786del.
Identifiers: ClinVar variation 3044859 (VCV003044859.2), dbSNP rs575474661, ClinGen allele CA3922558.